The following is an entry in ClinVar:

ClinVar aggregate classification (germline): Uncertain significance (1 of 4 stars; one submission).

Submission:

Labcorp Genetics (formerly Invitae), Labcorp
Classification: Uncertain significance. Last evaluated: 2022-07-06. Review status: criteria provided, single submitter. Criteria: Invitae Variant Classification Sherloc (09022015). Collection method: clinical testing. Allele origin: germline.
Comment: Variants that disrupt the consensus splice site are a relatively common cause of aberrant splicing (PMID: 17576681, 9536098). Algorithms developed to predict the effect of sequence changes on RNA splicing suggest that this variant may disrupt the consensus splice site. ClinVar contains an entry for this variant (Variation ID: 1003848). This variant has not been reported in the literature in individuals affected with TNFAIP3-related conditions. This variant is not present in population databases (gnomAD no frequency). This sequence change falls in intron 5 of the TNFAIP3 gene. It does not directly change the encoded amino acid sequence of the TNFAIP3 protein. It affects a nucleotide within the consensus splice site. In summary, the available evidence is currently insufficient to determine the role of this variant in disease. Therefore, it has been classified as a Variant of Uncertain Significance.

Literature cited by the submitters: PubMed 17576681; PubMed 9536098.

NM_001270508.2(TNFAIP3):c.805+5G>A

Genes: TNFAIP3 (TNF alpha induced protein 3; plus strand), LOC126859807 (MED14-independent group 3 enhancer GRCh37_chr6:138196296-138197495; plus strand). Cytogenetic location: 6q23.3.
Variant type: single nucleotide variant.
Coding change: c.805+5G>A on transcript NM_001270508.2 (MANE Select); 5 bases into the intron after coding-DNA position 805, G replaced by A.
Molecular consequence: intron variant.
Genome position (GRCh38, 1-based): chr6:137,876,171, G>A. VCF-style: chr6-137876171-G-A. GRCh37 (hg19) VCF-style: chr6-138197308-G-A.
Other names: c.805+5G>A (NM_001270507.2, NM_006290.4).
Identifiers: ClinVar variation 1003848 (VCV001003848.7), dbSNP rs1776240203, ClinGen allele CA1666703235.
Genomic context (GRCh38, chr6:137,876,171, plus strand): 5'-CGGCTATGACAGCCATCATTTTGTACCCTTGGTGACCCTGAAGGACAGTGGGCCTGGTGA[G>A]AAAACTGCATTAATTCACATCTATAACTAGACACTGAAACATCAGGGTTTTCCTTTTTGC-3'